The following is an entry in ClinVar:

NM_007118.4(TRIO):c.8027A>T (p.Asn2676Ile)

Genes: TRIO (trio Rho guanine nucleotide exchange factor; plus strand), LOC126807323 (CDK7 strongly-dependent group 2 enhancer GRCh37_chr5:14497716-14498915; plus strand). Cytogenetic location: 5p15.2.
Variant type: single nucleotide variant.
Coding change: c.8027A>T on transcript NM_007118.4 (MANE Select); coding-DNA position 8027, A replaced by T.
Protein change: p.Asn2676Ile; replaces asparagine 2676 with isoleucine.
Molecular consequence: missense variant. On other transcripts: non-coding transcript variant (1).
Genome position (GRCh38, 1-based): chr5:14,497,854, A>T. VCF-style: chr5-14497854-A-T. GRCh37 (hg19) VCF-style: chr5-14497963-A-T.
Other names: short protein forms N2676I.
Identifiers: ClinVar variation 2629383 (VCV002629383.3), dbSNP rs150431198, ClinGen allele CA359239000.

ClinVar aggregate classification (germline): Uncertain significance (0 of 4 stars; one submission).

Conditions:
TRIO-related disorder. Also called: TRIO-related condition; TRIO-related disorders.

gnomAD v4.1: 1 of 1,614,044 alleles (0.000062%); highest among the groups gnomAD compares: Non-Finnish European, 0.000085%; no homozygotes.

Submission:

PreventionGenetics, part of Exact Sciences
Classification: Uncertain significance for TRIO-related condition. Last evaluated: 2024-02-23. Review status: no assertion criteria provided. Collection method: clinical testing. Allele origin: germline.
Comment: The TRIO c.8027A>T variant is predicted to result in the amino acid substitution p.Asn2676Ile. To our knowledge, this variant has not been reported in the literature or in a large population database, indicating this variant is rare. At this time, the clinical significance of this variant is uncertain due to the absence of conclusive functional and genetic evidence.